The following is an entry in ClinVar:

ClinVar aggregate classification (germline): Uncertain significance (1 of 4 stars; one submission).

Conditions:
Gorlin syndrome. Also called: Nevoid Basal Cell Carcinoma Syndrome; Basal cell nevus syndrome. Identifiers: Orphanet 377, MedGen C0004779, MONDO:0007187.
Medulloblastoma (MDB). Also called: MEDULLOBLASTOMA PREDISPOSITION SYNDROME; Medulloblastoma, somatic. Identifiers: Orphanet 616, MedGen C0025149, MeSH D008527, MONDO:0007959, OMIM 155255, HP:0002885.

Submission:

Labcorp Genetics (formerly Invitae), Labcorp
Classification: Uncertain significance for Gorlin syndrome; Medulloblastoma. Last evaluated: 2025-03-25. Review status: criteria provided, single submitter. Criteria: Invitae Variant Classification Sherloc (09022015). Collection method: clinical testing. Allele origin: germline.
Comment: This sequence change replaces glycine, which is neutral and non-polar, with valine, which is neutral and non-polar, at codon 100 of the SUFU protein (p.Gly100Val). This variant is not present in population databases (gnomAD no frequency). This variant has not been reported in the literature in individuals affected with SUFU-related conditions. Invitae Evidence Modeling of protein sequence and biophysical properties (such as structural, functional, and spatial information, amino acid conservation, physicochemical variation, residue mobility, and thermodynamic stability) indicates that this missense variant is expected to disrupt SUFU protein function with a positive predictive value of 80%. In summary, the available evidence is currently insufficient to determine the role of this variant in disease. Therefore, it has been classified as a Variant of Uncertain Significance.

NM_016169.4(SUFU):c.299G>T (p.Gly100Val)

Gene: SUFU (SUFU negative regulator of hedgehog signaling; plus strand). Cytogenetic location: 10q24.32.
Variant type: single nucleotide variant.
Coding change: c.299G>T on transcript NM_016169.4 (MANE Select); coding-DNA position 299, G replaced by T.
Protein change: p.Gly100Val; replaces glycine 100 with valine.
Molecular consequence: missense variant.
Genome position (GRCh38, 1-based): chr10:102,509,285, G>T. VCF-style: chr10-102509285-G-T. GRCh37 (hg19) VCF-style: chr10-104269042-G-T.
Other names: c.299G>T, p.Gly100Val (NM_001178133.2); short protein forms G100V.
Identifiers: ClinVar variation 4782585 (VCV004782585.1).